The following is an entry in ClinVar:

ClinVar aggregate classification (germline): Uncertain significance (1 of 4 stars; one submission).

Submission:

GeneDx
Classification: Uncertain significance. Last evaluated: 2022-09-26. Review status: criteria provided, single submitter. Criteria: GeneDx Variant Classification Process June 2021. Collection method: clinical testing. Allele origin: germline. Affected: yes.
Comment: Frameshift variant predicted to result in protein truncation or nonsense mediated decay in a gene for which loss of function is a known mechanism of disease; Not observed at significant frequency in large population cohorts (gnomAD); Has not been previously published as pathogenic or benign to our knowledge

NM_144498.4(OSBPL2):c.908del (p.Thr303fs)

Gene: OSBPL2 (oxysterol binding protein like 2; plus strand). Cytogenetic location: 20q13.33.
Variant type: Deletion.
Coding change: c.908del on transcript NM_144498.4 (MANE Select); coding-DNA position 908, one base deleted (C; older notation c.908delC).
Protein change: p.Thr303fs; shifts the reading frame from threonine 303.
Molecular consequence: frameshift variant.
Genome position (GRCh38, 1-based): chr20:62,284,081, C deleted. VCF-style (leftmost placement, unchanged base first): chr20-62284080-AC-A. GRCh37 (hg19) VCF-style: chr20-60859136-AC-A.
Other names: c.632del, p.Thr211fs (NM_001278649.3, NM_001363878.2); c.872del, p.Thr291fs (NM_014835.5); short protein forms T211fs, T291fs, T303fs.
Identifiers: ClinVar variation 2446316 (VCV002446316.1), dbSNP rs2516549008, ClinGen allele CA2580098338.
Genomic context (GRCh38, chr20:62,284,080, plus strand): 5'-TCTTTAAAAATCCCATTTAATTACAGCAAAAAGAAGCTCTTTATGATCTATGGCAAATGG[AC>A]GGAATGTTTGTGGGGCATAGATCCTGTTTCGTATGAATCCTTCAAGAAGCAGGAGAGGAG-3'